The following is an entry in ClinVar:

NM_001123385.2(BCOR):c.3467C>G (p.Pro1156Arg)

Gene: BCOR (BCL6 corepressor; minus strand). Cytogenetic location: Xp11.4.
Variant type: single nucleotide variant.
Coding change: c.3467C>G on transcript NM_001123385.2 (MANE Select); coding-DNA position 3467, C replaced by G.
Protein change: p.Pro1156Arg; replaces proline 1156 with arginine.
Molecular consequence: missense variant.
Genome position (GRCh38, 1-based): chrX:40,064,371, G>C on the plus strand (C>G on the coding strand, the complement: BCOR is on the minus strand). VCF-style: chrX-40064371-G-C. GRCh37 (hg19) VCF-style: chrX-39923624-G-C.
Other names: c.3467C>G, p.Pro1156Arg (NM_001123383.2, NM_017745.6); c.3413C>G, p.Pro1138Arg (NM_001123384.2); short protein forms P1138R, P1156R.
Identifiers: ClinVar variation 855204 (VCV000855204.9), dbSNP rs1935083156, ClinGen allele CA412738811.

ClinVar aggregate classification (germline): Uncertain significance (1 of 4 stars; one submission).

Conditions:
Oculofaciocardiodental syndrome (MCOPS2). Identifiers: Orphanet 2712, MedGen C1846265, MONDO:0010261, OMIM 300166.

Submission:

Labcorp Genetics (formerly Invitae), Labcorp
Classification: Uncertain significance for Oculofaciocardiodental syndrome. Last evaluated: 2019-02-23. Review status: criteria provided, single submitter. Criteria: Invitae Variant Classification Sherloc (09022015). Collection method: clinical testing. Allele origin: germline.
Comment: This sequence change replaces proline with arginine at codon 1156 of the BCOR protein (p.Pro1156Arg). The proline residue is highly conserved and there is a moderate physicochemical difference between proline and arginine. In summary, the available evidence is currently insufficient to determine the role of this variant in disease. Therefore, it has been classified as a Variant of Uncertain Significance. Algorithms developed to predict the effect of missense changes on protein structure and function are either unavailable or do not agree on the potential impact of this missense change (SIFT: "Deleterious"; PolyPhen-2: "Benign"; Align-GVGD: "Class C65"). This variant has not been reported in the literature in individuals with BCOR-related conditions. This variant is not present in population databases (ExAC no frequency).